The following is an entry in ClinVar:

NM_001267550.2(TTN):c.2380A>C (p.Thr794Pro)

Gene: TTN (titin; minus strand). Cytogenetic location: 2q31.2.
Variant type: single nucleotide variant.
Coding change: c.2380A>C on transcript NM_001267550.2 (MANE Select); coding-DNA position 2380, A replaced by C.
Protein change: p.Thr794Pro; replaces threonine 794 with proline.
Molecular consequence: missense variant.
Genome position (GRCh38, 1-based): chr2:178,785,733, T>G on the plus strand (A>C on the coding strand, the complement: TTN is on the minus strand). VCF-style: chr2-178785733-T-G. GRCh37 (hg19) VCF-style: chr2-179650460-T-G.
Other names: c.2380A>C, p.Thr794Pro (NM_001256850.1, NM_133378.4, NM_133379.5); c.2242A>C, p.Thr748Pro (NM_003319.4, NM_133432.3, NM_133437.4); short protein forms T748P, T794P.
Identifiers: ClinVar variation 2574893 (VCV002574893.1), dbSNP rs2533540863, ClinGen allele CA349499283.

ClinVar aggregate classification (germline): Uncertain significance (1 of 4 stars; one submission).

Allele frequency attached by ClinVar (database versions not stated): gnomAD exomes below 0.00001.
gnomAD v4.1: 3 of 1,614,172 alleles (0.00019%); highest among the groups gnomAD compares: Non-Finnish European, 0.00025%; no homozygotes.

Submission:

GeneDx
Classification: Uncertain significance. Last evaluated: 2023-02-03. Review status: criteria provided, single submitter. Criteria: GeneDx Variant Classification Process June 2021. Collection method: clinical testing. Allele origin: germline. Affected: yes.
Comment: Not observed at significant frequency in large population cohorts (gnomAD); Missense variant in a gene in which most reported pathogenic variants are truncating/loss of function; Has not been previously published as pathogenic or benign to our knowledge